The following is an entry in ClinVar:

ClinVar aggregate classification (germline): Uncertain significance (1 of 4 stars; one submission).

Conditions:
Dilated cardiomyopathy 1W (CMD1W). Identifiers: Orphanet 154, MedGen C1969639, MONDO:0012667, OMIM 611407.

Submission:

Labcorp Genetics (formerly Invitae), Labcorp
Classification: Uncertain significance for Dilated cardiomyopathy 1W. Last evaluated: 2019-11-26. Review status: criteria provided, single submitter. Criteria: Invitae Variant Classification Sherloc (09022015). Collection method: clinical testing. Allele origin: germline.
Comment: This sequence change replaces glycine with cysteine at codon 222 of the VCL protein (p.Gly222Cys). The glycine residue is highly conserved and there is a large physicochemical difference between glycine and cysteine. This variant is not present in population databases (ExAC no frequency). This variant has not been reported in the literature in individuals with VCL-related conditions. Algorithms developed to predict the effect of missense changes on protein structure and function (SIFT, PolyPhen-2, Align-GVGD) all suggest that this variant is likely to be disruptive, but these predictions have not been confirmed by published functional studies and their clinical significance is uncertain. In summary, the available evidence is currently insufficient to determine the role of this variant in disease. Therefore, it has been classified as a Variant of Uncertain Significance.

NM_014000.3(VCL):c.664G>T (p.Gly222Cys)

Gene: VCL (vinculin; plus strand). Cytogenetic location: 10q22.2.
Variant type: single nucleotide variant.
Coding change: c.664G>T on transcript NM_014000.3 (MANE Select); coding-DNA position 664, G replaced by T.
Protein change: p.Gly222Cys; replaces glycine 222 with cysteine.
Molecular consequence: missense variant.
Genome position (GRCh38, 1-based): chr10:74,074,784, G>T. VCF-style: chr10-74074784-G-T. GRCh37 (hg19) VCF-style: chr10-75834542-G-T.
Other names: c.664G>T, p.Gly222Cys (NM_003373.4); short protein forms G222C.
Identifiers: ClinVar variation 837451 (VCV000837451.8), dbSNP rs1839556125, ClinGen allele CA377268286.